The following is an entry in ClinVar:

NM_182914.3(SYNE2):c.20524G>C (p.Gly6842Arg)

Gene: SYNE2 (spectrin repeat containing nuclear envelope protein 2; plus strand). Cytogenetic location: 14q23.2.
Variant type: single nucleotide variant.
Coding change: c.20524G>C on transcript NM_182914.3 (MANE Select); coding-DNA position 20524, G replaced by C.
Protein change: p.Gly6842Arg; replaces glycine 6842 with arginine.
Molecular consequence: missense variant.
Genome position (GRCh38, 1-based): chr14:64,225,326, G>C. VCF-style: chr14-64225326-G-C. GRCh37 (hg19) VCF-style: chr14-64692044-G-C.
Other names: c.20458G>C, p.Gly6820Arg (NM_015180.6); c.1090G>C, p.Gly364Arg (NM_182910.2); c.1471G>C, p.Gly491Arg (NM_182913.4); short protein forms G6842R, G364R, G491R, G6820R.
Identifiers: ClinVar variation 313667 (VCV000313667.16), dbSNP rs201538331, ClinGen allele CA7224935.

ClinVar aggregate classification (germline): Conflicting classifications of pathogenicity. Review status: criteria provided, conflicting classifications (1 of 4 stars). 3 submissions from 3 submitters: Uncertain significance (2); Benign (1). Last evaluated 2025-07-06.

Conditions:
Emery-Dreifuss muscular dystrophy 5, autosomal dominant (EDMD5). Also called: EMERY-DREIFUSS MUSCULAR DYSTROPHY 5. Identifiers: Orphanet 261, MedGen C2751805, MONDO:0013072, OMIM 612999.

Allele frequency attached by ClinVar (database versions not stated): TOPMed 0.00006; gnomAD 0.00013; 1000 Genomes Project 30x 0.00016; 1000 Genomes Project 0.00020.
gnomAD v4.1: 134 of 1,614,064 alleles (0.0083%); highest among the groups gnomAD compares: Non-Finnish European, 0.011%; no homozygotes.

Submissions (3):

Labcorp Genetics (formerly Invitae), Labcorp
Classification: Uncertain significance for Emery-Dreifuss muscular dystrophy 5, autosomal dominant. Last evaluated: 2025-07-06. Review status: criteria provided, single submitter. Criteria: Invitae Variant Classification Sherloc (09022015). Collection method: clinical testing. Allele origin: germline.
Comment: This sequence change replaces glycine, which is neutral and non-polar, with arginine, which is basic and polar, at codon 6842 of the SYNE2 protein (p.Gly6842Arg). This variant is present in population databases (rs201538331, gnomAD 0.02%). This variant has not been reported in the literature in individuals affected with SYNE2-related conditions. ClinVar contains an entry for this variant (Variation ID: 313667). An algorithm developed to predict the effect of missense changes on protein structure and function (PolyPhen-2) suggests that this variant is likely to be tolerated. In summary, the available evidence is currently insufficient to determine the role of this variant in disease. Therefore, it has been classified as a Variant of Uncertain Significance.

Ambry Genetics
Classification: Uncertain significance. Last evaluated: 2023-10-17. Review status: criteria provided, single submitter. Criteria: Ambry Variant Classification Scheme 2023. Collection method: clinical testing. Allele origin: germline.

Illumina Laboratory Services, Illumina
Classification: Benign for Emery-Dreifuss muscular dystrophy 5, autosomal dominant. Last evaluated: 2018-01-13. Review status: criteria provided, single submitter. Criteria: ICSL Variant Classification Criteria 13 December 2019. Collection method: clinical testing. Allele origin: germline.
Comment: This variant was observed in the ICSL laboratory as part of a predisposition screen in an ostensibly healthy population. It had not been previously curated by ICSL or reported in the Human Gene Mutation Database (HGMD: prior to June 1st, 2018), and was therefore a candidate for classification through an automated scoring system. Utilizing variant allele frequency, disease prevalence and penetrance estimates, and inheritance mode, an automated score was calculated to assess if this variant is too frequent to cause the disease. Based on the score and internal cut-off values, a variant classified as benign is not then subjected to further curation. The score for this variant resulted in a classification of benign for this disease.